The following is an entry in ClinVar:

ClinVar aggregate classification (germline): Uncertain significance. Review status: criteria provided, multiple submitters, no conflicts (2 of 4 stars). 2 submissions from 2 submitters: Uncertain significance (2). Last evaluated 2022-05-31.

Conditions:
Fraser syndrome 2 (FRASRS2). Identifiers: MedGen C4540036, MONDO:0054738, OMIM 617666.
Isolated cryptophthalmia. Also called: ANKYLOBLEPHARON, SIMPLE; Cryptophthalmos, unilateral or bilateral, isolated. Identifiers: Orphanet 91396, MedGen C1852453, MONDO:0007410, OMIM 123570.

Allele frequency attached by ClinVar (database versions not stated): TOPMed below 0.00001; gnomAD exomes 0.00001.
gnomAD v4.1: 11 of 1,614,090 alleles (0.00068%); highest among the groups gnomAD compares: African/African-American, 0.0013%; no homozygotes.

Submissions (2):

Fulgent Genetics
Classification: Uncertain significance for Isolated cryptophthalmia; Fraser syndrome 2. Last evaluated: 2022-05-31. Review status: criteria provided, single submitter. Criteria: ACMG Guidelines, 2015. Collection method: clinical testing. Allele origin: unknown.

GeneDx
Classification: Uncertain significance. Last evaluated: 2020-01-02. Review status: criteria provided, single submitter. Criteria: GeneDx Variant Classification Process June 2021. Collection method: clinical testing. Allele origin: germline. Affected: yes.
Comment: Not observed at a significant frequency in large population cohorts (Lek et al., 2016); In silico analysis, which includes protein predictors and evolutionary conservation, supports a deleterious effect; Has not been previously published as pathogenic or benign to our knowledge

NM_207361.6(FREM2):c.3830T>G (p.Phe1277Cys)

Gene: FREM2 (FRAS1 related extracellular matrix 2; plus strand). Cytogenetic location: 13q13.3.
Variant type: single nucleotide variant.
Coding change: c.3830T>G on transcript NM_207361.6 (MANE Select); coding-DNA position 3830, T replaced by G.
Protein change: p.Phe1277Cys; replaces phenylalanine 1277 with cysteine.
Molecular consequence: missense variant.
Genome position (GRCh38, 1-based): chr13:38,691,174, T>G. VCF-style: chr13-38691174-T-G. GRCh37 (hg19) VCF-style: chr13-39265311-T-G.
Other names: short protein forms F1277C.
Identifiers: ClinVar variation 1311791 (VCV001311791.3), dbSNP rs1437152125, ClinGen allele CA387891830.
Genomic context (GRCh38, chr13:38,691,174, plus strand): 5'-TCATAGAGAGTTCCAGCATTATTTATGAGCATGATGACTCCGAGACCCAGGAAGACAGTT[T>G]TGTGATTAAACTAACAGATGGGAAGCACTCTGTGGAAAAGACGGTCCTCATTATAGTTAT-3'
Protein context (NP_997244.4, residues 1267-1287): HDDSETQEDS[Phe1277Cys]VIKLTDGKHS